The following is an entry in ClinVar:

ClinVar aggregate classification (germline): Uncertain significance. Review status: criteria provided, multiple submitters, no conflicts (2 of 4 stars). 2 submissions from 2 submitters: Uncertain significance (2). Last evaluated 2022-01-23.

Conditions:
Brown-Vialetto-van Laere syndrome 2. Also called: SPINOCEREBELLAR ATAXIA WITH BLINDNESS AND DEAFNESS 2; Riboflavin transporter deficiency type 2. Identifiers: Orphanet 572543, Orphanet 97229, MedGen C3553538, MONDO:0013867, OMIM 614707.

Allele frequency attached by ClinVar (database versions not stated): gnomAD exomes below 0.00001; ExAC 0.00001.

Submissions (2):

Labcorp Genetics (formerly Invitae), Labcorp
Classification: Uncertain significance for Brown-Vialetto-van Laere syndrome 2. Last evaluated: 2022-01-23. Review status: criteria provided, single submitter. Criteria: Invitae Variant Classification Sherloc (09022015). Collection method: clinical testing. Allele origin: germline.
Comment: This sequence change replaces glycine, which is neutral and non-polar, with serine, which is neutral and polar, at codon 44 of the SLC52A2 protein (p.Gly44Ser). This variant also falls at the last nucleotide of exon 2, which is part of the consensus splice site for this exon. This variant is present in population databases (rs782089755, gnomAD 0.0009%). This variant has not been reported in the literature in individuals affected with SLC52A2-related conditions. Algorithms developed to predict the effect of missense changes on protein structure and function output the following: SIFT: "Tolerated"; PolyPhen-2: "Benign"; Align-GVGD: "Class C0". The serine amino acid residue is found in multiple mammalian species, which suggests that this missense change does not adversely affect protein function. Variants that disrupt the consensus splice site are a relatively common cause of aberrant splicing (PMID: 17576681, 9536098). Algorithms developed to predict the effect of sequence changes on RNA splicing suggest that this variant may disrupt the consensus splice site. In summary, the available evidence is currently insufficient to determine the role of this variant in disease. Therefore, it has been classified as a Variant of Uncertain Significance.

Blueprint Genetics
Classification: Uncertain significance. Last evaluated: 2019-01-10. Review status: criteria provided, single submitter. Criteria: ACMG Guidelines, 2015. Collection method: clinical testing. Allele origin: germline.

Literature cited by the submitters: PubMed 17576681 (cited by Labcorp Genetics (formerly Invitae), Labcorp); PubMed 9536098 (cited by Labcorp Genetics (formerly Invitae), Labcorp).

NM_001363118.2(SLC52A2):c.130G>A (p.Gly44Ser)

Gene: SLC52A2 (solute carrier family 52 member 2; plus strand). Cytogenetic location: 8q24.3.
Variant type: single nucleotide variant.
Coding change: c.130G>A on transcript NM_001363118.2 (MANE Select); coding-DNA position 130, G replaced by A.
Protein change: p.Gly44Ser; replaces glycine 44 with serine.
Molecular consequence: missense variant.
Genome position (GRCh38, 1-based): chr8:144,359,423, G>A. VCF-style: chr8-144359423-G-A. GRCh37 (hg19) VCF-style: chr8-145583083-G-A.
Other names: c.130G>A, p.Gly44Ser (NM_001253815.2, NM_001253816.2, NM_001363120.2 and 2 more transcripts); c.130G>A, p.Ala44Thr (NM_001363122.2); short protein forms A44T, G44S.
Identifiers: ClinVar variation 2089261 (VCV002089261.2), dbSNP rs782089755, ClinGen allele CA4938088.